The following is an entry in ClinVar:

NM_133510.4(RAD51B):c.280C>G (p.Leu94Val)

Gene: RAD51B (RAD51 paralog B; plus strand). Cytogenetic location: 14q24.1.
Variant type: single nucleotide variant.
Coding change: c.280C>G on transcript NM_133510.4 (MANE Select); coding-DNA position 280, C replaced by G.
Protein change: p.Leu94Val; replaces leucine 94 with valine.
Molecular consequence: missense variant. On other transcripts: 5 prime UTR variant (1).
Genome position (GRCh38, 1-based): chr14:67,835,161, C>G. VCF-style: chr14-67835161-C-G. GRCh37 (hg19) VCF-style: chr14-68301878-C-G.
Other names: c.280C>G, p.Leu94Val (NM_001321809.2, NM_001321810.2, NM_001321812.1 and 6 more transcripts); c.166C>G, p.Leu56Val (NM_001321815.1); c.-176C>G (NM_001321817.2); short protein forms L56V, L94V.
Identifiers: ClinVar variation 3429683 (VCV003429683.2).
Genomic context (GRCh38, chr14:67,835,161, plus strand): 5'-AGGTCTGCTGATTTCTCACCAGCATTCTTATCTACTACCCTTTCTGCTTTGGACGAAGCC[C>G]TGCATGGTGGTGTGGCTTGTGGATCCCTCACAGAGGTAAAGGAAAAATTTTTCGTACCTT-3'
Protein context (NP_598194.1, residues 84-104): STTLSALDEA[Leu94Val]HGGVACGSLT

ClinVar aggregate classification (germline): Uncertain significance (1 of 4 stars; one submission).

gnomAD v4.1: 11 of 1,614,038 alleles (0.00068%); highest among the groups gnomAD compares: Non-Finnish European, 0.00093%; no homozygotes.

Submission:

Ambry Genetics
Classification: Uncertain significance. Last evaluated: 2024-12-29. Review status: criteria provided, single submitter. Criteria: Ambry Variant Classification Scheme 2023. Collection method: clinical testing. Allele origin: germline.
Comment: The p.L94V variant (also known as c.280C>G), located in coding exon 3 of the RAD51B gene, results from a C to G substitution at nucleotide position 280. The leucine at codon 94 is replaced by valine, an amino acid with highly similar properties. This amino acid position is conserved. In addition, the in silico prediction for this alteration is inconclusive. Based on the available evidence, the clinical significance of this variant remains unclear.